The following is an entry in ClinVar:

ClinVar aggregate classification (germline): Uncertain significance (1 of 4 stars; one submission).

Conditions:
MGAT2-congenital disorder of glycosylation. Also called: Congenital disorder of glycosylation, type IIa; MENTAL RETARDATION, GROWTH RETARDATION, PROMINENT COLUMELLA, AND OPEN MOUTH; Alkuraya syndrome; CDG IIa; MGAT2-CDG. Identifiers: Orphanet 79329, MedGen C2931008, MONDO:0008908, OMIM 212066.

Submission:

Baylor Genetics
Classification: Uncertain significance for MGAT2-congenital disorder of glycosylation. Last evaluated: 2018-11-20. Review status: criteria provided, single submitter. Criteria: ACMG Guidelines, 2015. Collection method: clinical testing. Allele origin: unknown. Affected: yes.
Comment: This variant was determined to be of uncertain significance according to ACMG Guidelines, 2015 [PMID:25741868].

NM_002408.4(MGAT2):c.327G>T (p.Lys109Asn)

Gene: MGAT2 (alpha-1,6-mannosyl-glycoprotein 2-beta-N-acetylglucosaminyltransferase; plus strand). Cytogenetic location: 14q21.3.
Variant type: single nucleotide variant.
Coding change: c.327G>T on transcript NM_002408.4 (MANE Select); coding-DNA position 327, G replaced by T.
Protein change: p.Lys109Asn; replaces lysine 109 with asparagine.
Molecular consequence: missense variant.
Genome position (GRCh38, 1-based): chr14:49,621,595, G>T. VCF-style: chr14-49621595-G-T. GRCh37 (hg19) VCF-style: chr14-50088313-G-T.
Other names: short protein forms K109N.
Identifiers: ClinVar variation 1033505 (VCV001033505.1), dbSNP rs1882853347, ClinGen allele CA389617897.